The following is an entry in ClinVar:

NM_018130.3(SHQ1):c.970T>C (p.Phe324Leu)

Gene: SHQ1 (SHQ1, H/ACA ribonucleoprotein assembly factor; minus strand). Cytogenetic location: 3p13.
Variant type: single nucleotide variant.
Coding change: c.970T>C on transcript NM_018130.3 (MANE Select); coding-DNA position 970, T replaced by C.
Protein change: p.Phe324Leu; replaces phenylalanine 324 with leucine.
Molecular consequence: missense variant.
Genome position (GRCh38, 1-based): chr3:72,812,761, A>G on the plus strand (T>C on the coding strand, the complement: SHQ1 is on the minus strand). VCF-style: chr3-72812761-A-G. GRCh37 (hg19) VCF-style: chr3-72861912-A-G.
Other names: short protein forms F324L.
Identifiers: ClinVar variation 4583631 (VCV004583631.1).

ClinVar aggregate classification (germline): Uncertain significance (1 of 4 stars; one submission).

gnomAD v4.1: 1 of 1,614,066 alleles (0.000062%); no homozygotes.

Submission:

Ambry Genetics
Classification: Uncertain significance. Last evaluated: 2025-12-14. Review status: criteria provided, single submitter. Criteria: Ambry Variant Classification Scheme 2023. Collection method: clinical testing. Allele origin: germline.
Comment: The c.970T>C (p.F324L) alteration is located in exon 9 (coding exon 9) of the SHQ1 gene. This alteration results from a T to C substitution at nucleotide position 970, causing the phenylalanine (F) at amino acid position 324 to be replaced by a leucine (L). This variant was not reported in population-based cohorts in the Genome Aggregation Database (gnomAD). This amino acid position is highly conserved in available vertebrate species. The in silico prediction for this alteration is inconclusive. Based on insufficient or conflicting evidence, the clinical significance of this alteration remains unclear.